The following is an entry in ClinVar:

ClinVar aggregate classification (germline): Pathogenic (1 of 4 stars; one submission).

Submission:

Labcorp Genetics (formerly Invitae), Labcorp
Classification: Pathogenic. Last evaluated: 2024-10-11. Review status: criteria provided, single submitter. Criteria: Invitae Variant Classification Sherloc (09022015). Collection method: clinical testing. Allele origin: germline.
Comment: This sequence change creates a premature translational stop signal (p.Gly357Leufs*271) in the COL2A1 gene. It is expected to result in an absent or disrupted protein product. Loss-of-function variants in COL2A1 are known to be pathogenic (PMID: 20179744). This variant is not present in population databases (gnomAD no frequency). This variant has not been reported in the literature in individuals affected with COL2A1-related conditions. Algorithms developed to predict the effect of sequence changes on RNA splicing suggest that this variant may disrupt the consensus splice site. For these reasons, this variant has been classified as Pathogenic.

Literature cited by the submitters: PubMed 20179744.

NM_001844.5(COL2A1):c.1069_1072del (p.Gly357fs)

Gene: COL2A1 (collagen type II alpha 1 chain; minus strand). Cytogenetic location: 12q13.11.
Variant type: Deletion.
Coding change: c.1069_1072del on transcript NM_001844.5 (MANE Select); coding-DNA positions 1069 to 1072, 4 bases deleted (GGTC; older notation c.1069_1072delGGTC).
Protein change: p.Gly357fs; shifts the reading frame from glycine 357.
Molecular consequence: frameshift variant.
Genome position (GRCh38, 1-based): chr12:47,989,278-47,989,281, GACC deleted on the plus strand (GGTC on the coding strand, the reverse complement: COL2A1 is on the minus strand). VCF-style (leftmost placement, unchanged base first): chr12-47989277-GGACC-G. GRCh37 (hg19) VCF-style: chr12-48383060-GGACC-G.
Other names: c.862_865del, p.Gly288fs (NM_033150.3); short protein forms G357fs, G288fs.
Identifiers: ClinVar variation 3722718 (VCV003722718.2).
Genomic context (GRCh38, chr12:47,989,277, plus strand): 5'-AGGGCACGTACCTTGGCTCCAGGAGCACCAGGGAAGCCAGGACCACCAGCAGGACCGACA[GGACC>G]CTGGAGAGAGTAGGCGGATGAGAAGAGAGGTGAATGCCAGTTCTGGCCTCCAAAGCGAGC-3'